The following is an entry in ClinVar:

NM_000168.6(GLI3):c.1415A>G (p.Gln472Arg)

Gene: GLI3 (GLI family zinc finger 3; minus strand). Cytogenetic location: 7p14.1.
Variant type: single nucleotide variant.
Coding change: c.1415A>G on transcript NM_000168.6 (MANE Select); coding-DNA position 1415, A replaced by G.
Protein change: p.Gln472Arg; replaces glutamine 472 with arginine.
Molecular consequence: missense variant.
Genome position (GRCh38, 1-based): chr7:42,023,550, T>C on the plus strand (A>G on the coding strand, the complement: GLI3 is on the minus strand). VCF-style: chr7-42023550-T-C. GRCh37 (hg19) VCF-style: chr7-42063149-T-C.
Other names: short protein forms Q472R.
Identifiers: ClinVar variation 2934456 (VCV002934456.3), dbSNP rs2484638935, ClinGen allele CA367324089.
Genomic context (GRCh38, chr7:42,023,550, plus strand): 5'-TCGAACTCCCTCGCGCAGCCTTCCCAGTGGCAGTTTGTCTCATAGATGACTTCAGGCTCC[T>C]GTTTGCTTTCATCTTTGTCCCCTTCCTCCTTGACAAGGGTTGTTCCTTCGGGCTGTTCCT-3'
Protein context (NP_000159.3, residues 462-482): KEEGDKDESK[Gln472Arg]EPEVIYETNC

ClinVar aggregate classification (germline): Uncertain significance (1 of 4 stars; one submission).

Conditions:
Pallister-Hall syndrome (PHS). Also called: HYPOTHALAMIC HAMARTOBLASTOMA, HYPOPITUITARISM, IMPERFORATE ANUS, AND POSTAXIAL POLYDACTYLY; GLI3-Related Pallister-Hall Syndrome. Identifiers: Orphanet 672, MedGen C0265220, MONDO:0007804, OMIM 146510.
Greig cephalopolysyndactyly syndrome (GCPS). Also called: POLYSYNDACTYLY WITH PECULIAR SKULL SHAPE; Greig syndrome; GLI3-Related Greig Cephalopolysyndactyly Syndrome. Identifiers: Orphanet 380, MedGen C0265306, MONDO:0008287, OMIM 175700.

Submission:

Labcorp Genetics (formerly Invitae), Labcorp
Classification: Uncertain significance for Pallister-Hall syndrome; Greig cephalopolysyndactyly syndrome. Last evaluated: 2023-10-20. Review status: criteria provided, single submitter. Criteria: Invitae Variant Classification Sherloc (09022015). Collection method: clinical testing. Allele origin: germline.
Comment: This sequence change replaces glutamine, which is neutral and polar, with arginine, which is basic and polar, at codon 472 of the GLI3 protein (p.Gln472Arg). This variant is not present in population databases (gnomAD no frequency). This variant has not been reported in the literature in individuals affected with GLI3-related conditions. Advanced modeling of protein sequence and biophysical properties (such as structural, functional, and spatial information, amino acid conservation, physicochemical variation, residue mobility, and thermodynamic stability) performed at Invitae indicates that this missense variant is expected to disrupt GLI3 protein function. In summary, the available evidence is currently insufficient to determine the role of this variant in disease. Therefore, it has been classified as a Variant of Uncertain Significance.